The following is an entry in ClinVar:

NM_000059.4(BRCA2):c.6344A>G (p.Glu2115Gly)

Gene: BRCA2 (BRCA2 DNA repair associated; plus strand). Cytogenetic location: 13q13.1.
Variant type: single nucleotide variant.
Coding change: c.6344A>G on transcript NM_000059.4 (MANE Select); coding-DNA position 6344, A replaced by G.
Protein change: p.Glu2115Gly; replaces glutamic acid 2115 with glycine.
Molecular consequence: missense variant.
Genome position (GRCh38, 1-based): chr13:32,340,699, A>G. VCF-style: chr13-32340699-A-G. GRCh37 (hg19) VCF-style: chr13-32914836-A-G.
Other names: E2115G; 6572A>G.
Identifiers: ClinVar variation 38040 (VCV000038040.15), dbSNP rs397507370, ClinGen allele CA023933.

ClinVar aggregate classification (germline): Conflicting classifications of pathogenicity. Review status: criteria provided, conflicting classifications (1 of 4 stars). 6 submissions from 6 submitters: Uncertain significance (4); Likely benign (1). 1 of the submissions does not count toward it. Last evaluated 2025-08-13.

Conditions:
Hereditary cancer-predisposing syndrome. Also called: Tumor predisposition; Neoplastic Syndromes, Hereditary; Hereditary neoplastic syndrome; Hereditary Cancer Syndrome. Identifiers: Orphanet 140162, MedGen C0027672, MeSH D009386, MONDO:0015356.
Hereditary breast ovarian cancer syndrome. Also called: Hereditary breast and ovarian cancer; Hereditary breast and ovarian cancer syndrome (HBOC); Hereditary breast and/or ovarian cancer syndrome; Breast and ovarian cancer; Hereditary breast and ovarian cancer syndrome; BRCA1- and BRCA2-Associated Hereditary Breast and Ovarian Cancer. Identifiers: Orphanet 145, MedGen C0677776, MeSH D061325, MONDO:0003582. Disease mechanism: loss of function.
Breast-ovarian cancer, familial, susceptibility to, 2 (BROVCA2). Also called: BRCA2 Hereditary Breast and Ovarian Cancer. Identifiers: Orphanet 145, MedGen C2675520, MONDO:0012933, OMIM 612555. Disease mechanism: loss of function.

Allele frequency attached by ClinVar (database versions not stated): gnomAD exomes below 0.00001.
gnomAD v4.1: 2 of 1,609,346 alleles (0.00012%); highest among the groups gnomAD compares: Non-Finnish European, 0.00017%; no homozygotes.

Submissions (6):

Labcorp Genetics (formerly Invitae), Labcorp
Classification: Uncertain significance for Hereditary breast ovarian cancer syndrome. Last evaluated: 2025-08-13. Review status: criteria provided, single submitter. Criteria: Invitae Variant Classification Sherloc (09022015). Collection method: clinical testing. Allele origin: germline.
Comment: This sequence change replaces glutamic acid, which is acidic and polar, with glycine, which is neutral and non-polar, at codon 2115 of the BRCA2 protein (p.Glu2115Gly). This variant is not present in population databases (gnomAD no frequency). This variant has not been reported in the literature in individuals affected with BRCA2-related conditions. ClinVar contains an entry for this variant (Variation ID: 38040). Invitae Evidence Modeling of protein sequence and biophysical properties (such as structural, functional, and spatial information, amino acid conservation, physicochemical variation, residue mobility, and thermodynamic stability) indicates that this missense variant is not expected to disrupt BRCA2 protein function with a negative predictive value of 95%. In summary, the available evidence is currently insufficient to determine the role of this variant in disease. Therefore, it has been classified as a Variant of Uncertain Significance.

Color Diagnostics, LLC DBA Color Health
Classification: Uncertain significance for Hereditary cancer-predisposing syndrome. Last evaluated: 2025-01-14. Review status: criteria provided, single submitter. Criteria: ACMG Guidelines, 2015. Collection method: clinical testing. Allele origin: germline.
Comment: This missense variant replaces glutamic acid with glycine at codon 2115 of the BRCA2 protein. Computational prediction suggests that this variant may not impact protein structure and function. To our knowledge, functional studies have not been reported for this variant. This variant has been detected in a breast cancer case-control meta-analysis in 0/60466 cases and 1/53461 unaffected individuals (PMID: 33471991; Leiden Open Variation Database DB-ID BRCA2_003080). This variant has not been identified in the general population by the Genome Aggregation Database (gnomAD). The available evidence is insufficient to determine the role of this variant in disease conclusively. Therefore, this variant is classified as a Variant of Uncertain Significance.

Ambry Genetics
Classification: Uncertain significance for Hereditary cancer-predisposing syndrome. Last evaluated: 2024-12-17. Review status: criteria provided, single submitter. Criteria: Ambry Variant Classification Scheme 2023. Collection method: clinical testing. Allele origin: germline.
Comment: The p.E2115G variant (also known as c.6344A>G), located in coding exon 10 of the BRCA2 gene, results from an A to G substitution at nucleotide position 6344. The glutamic acid at codon 2115 is replaced by glycine, an amino acid with similar properties. This amino acid position is not well conserved in available vertebrate species. In addition, this alteration is predicted to be tolerated by in silico analysis. Based on the available evidence, the clinical significance of this variant remains unclear.

University of Washington Department of Laboratory Medicine, University of Washington
Classification: Likely benign for Hereditary cancer-predisposing syndrome. Last evaluated: 2023-03-23. Review status: criteria provided, single submitter. Criteria: Dines et al. (Genet Med. 2020). Collection method: curation. Allele origin: germline.
Comment: Missense variant in a coldspot region where missense variants are very unlikely to be pathogenic (PMID:31911673).

BRCA2 exon 11 coldspot. Reclassification based on statistical prior probability.

Sema4
Classification: Uncertain significance for Hereditary cancer-predisposing syndrome. Last evaluated: 2022-02-05. Review status: criteria provided, single submitter. Criteria: Sema4 Curation Guidelines. Collection method: curation. Allele origin: germline.
Comment: To the best of our knowledge, the BRCA2 c.6344A>G variant has not been reported in individuals with BRCA2-related disease. It was not observed in the large and broad cohorts of the Genome Aggregation Database (PMID: 32461654). The variant has been reported in ClinVar (Variation ID 38040). Functional studies have not been performed, and in silico predictions of the variant's effect on protein function are inconclusive. The evidence is insufficient to meet ACMG/AMP criteria for classifying the variant as benign or pathogenic. Thus, the clinical significance of this variant is currently uncertain.

Sharing Clinical Reports Project (SCRP)
Classification: Uncertain significance for Breast-ovarian cancer, familial 2. Last evaluated: 2011-10-19. Review status: no assertion criteria provided. Collection method: clinical testing. Allele origin: germline. Not counted in ClinVar's aggregate classification.

Literature cited by the submitters: PubMed 33471991 (cited by Color Diagnostics, LLC DBA Color Health).